The following is an entry in ClinVar:

NM_021815.5(SLC5A7):c.1115C>A (p.Ala372Asp)

Gene: SLC5A7 (solute carrier family 5 member 7; plus strand). Cytogenetic location: 2q12.3.
Variant type: single nucleotide variant.
Coding change: c.1115C>A on transcript NM_021815.5 (MANE Select); coding-DNA position 1115, C replaced by A.
Protein change: p.Ala372Asp; replaces alanine 372 with aspartic acid.
Molecular consequence: missense variant.
Genome position (GRCh38, 1-based): chr2:108,010,233, C>A. VCF-style: chr2-108010233-C-A. GRCh37 (hg19) VCF-style: chr2-108626689-C-A.
Other names: c.1115C>A, p.Ala372Asp (NM_001305005.3); c.800C>A, p.Ala267Asp (NM_001305006.3); c.374C>A, p.Ala125Asp (NM_001305007.3); short protein forms A125D, A267D, A372D.
Identifiers: ClinVar variation 1721223 (VCV001721223.6), dbSNP rs2467131558, ClinGen allele CA348113880.

ClinVar aggregate classification (germline): Uncertain significance (1 of 4 stars; one submission).

Conditions:
Neuronopathy, distal hereditary motor, type 7A. Also called: HARPER-YOUNG MYOPATHY; HMN VIIA; Neuronopathy, distal hereditary motor, type viia; SPINAL MUSCULAR ATROPHY, DISTAL, WITH VOCAL CORD PARALYSIS; NEURONOPATHY, DISTAL HEREDITARY MOTOR, HARDING TYPE VIIA; NEUROPATHY, DISTAL HEREDITARY MOTOR, HARDING TYPE VIIA. Identifiers: Orphanet 139589, MedGen C1834703, MONDO:0008024, OMIM 158580.
Congenital myasthenic syndrome 20. Also called: Myasthenic syndrome, congenital, 20, presynaptic. Identifiers: MedGen C4310694, MONDO:0014939, OMIM 617143.

Submission:

Labcorp Genetics (formerly Invitae), Labcorp
Classification: Uncertain significance for Neuronopathy, distal hereditary motor, type 7A; Congenital myasthenic syndrome 20. Last evaluated: 2023-12-11. Review status: criteria provided, single submitter. Criteria: Invitae Variant Classification Sherloc (09022015). Collection method: clinical testing. Allele origin: germline.
Comment: This sequence change replaces alanine, which is neutral and non-polar, with aspartic acid, which is acidic and polar, at codon 372 of the SLC5A7 protein (p.Ala372Asp). This variant is not present in population databases (gnomAD no frequency). This variant has not been reported in the literature in individuals affected with SLC5A7-related conditions. ClinVar contains an entry for this variant (Variation ID: 1721223). An algorithm developed to predict the effect of missense changes on protein structure and function (PolyPhen-2) suggests that this variant is likely to be disruptive. In summary, the available evidence is currently insufficient to determine the role of this variant in disease. Therefore, it has been classified as a Variant of Uncertain Significance.